The following is an entry in ClinVar:

NM_001001957.2(OR2W3):c.833ACA[1] (p.Asn279del)

Gene: OR2W3 (olfactory receptor family 2 subfamily W member 3; plus strand). Cytogenetic location: 1q44.
Variant type: Microsatellite.
Coding change: c.833ACA[1] on transcript NM_001001957.2 (MANE Select); one copy of the 3-base unit ACA starting at c.833; the reference has two copies in a row; one copy, 3 bases deleted.
Protein change: p.Asn279del; deletes asparagine 279.
Molecular consequence: inframe deletion.
Genome position (GRCh38, 1-based): chr1:247,896,422-247,896,424, ACA deleted; deleting any 3 consecutive bases within chr1:247,896,419-247,896,424 gives the same sequence; the position shown is the placement nearest the transcript's 3' end. VCF-style (leftmost placement, unchanged base first): chr1-247896418-TACA-T. GRCh37 (hg19) VCF-style: chr1-248059720-TACA-T.
Other names: short protein forms N279del.
Identifiers: ClinVar variation 2109125 (VCV002109125.4), dbSNP rs2527689552, ClinGen allele CA2580611585.

ClinVar aggregate classification (germline): Uncertain significance (1 of 4 stars; one submission).

Submission:

Labcorp Genetics (formerly Invitae), Labcorp
Classification: Uncertain significance. Last evaluated: 2025-07-28. Review status: criteria provided, single submitter. Criteria: Invitae Variant Classification Sherloc (09022015). Collection method: clinical testing. Allele origin: germline.
Comment: This variant, c.836_838del, results in the deletion of 1 amino acid(s) of the OR2W3 protein (p.Asn279del), but otherwise preserves the integrity of the reading frame. This variant is not present in population databases (gnomAD no frequency). This variant has not been reported in the literature in individuals affected with OR2W3-related conditions. Experimental studies and prediction algorithms are not available or were not evaluated, and the functional significance of this variant is currently unknown. In summary, the available evidence is currently insufficient to determine the role of this variant in disease. Therefore, it has been classified as a Variant of Uncertain Significance.